The following is an entry in ClinVar:

NM_001367624.2(ZNF469):c.4356_4358del (p.Ser1454del)

Gene: ZNF469 (zinc finger protein 469; plus strand). Cytogenetic location: 16q24.2.
Variant type: Deletion.
Coding change: c.4356_4358del on transcript NM_001367624.2 (MANE Select); coding-DNA positions 4356 to 4358, 3 bases deleted (CTC; older notation c.4356_4358delCTC).
Protein change: p.Ser1454del; deletes serine 1454.
Genome position (GRCh38, 1-based): chr16:88,431,826-88,431,828, CTC deleted; deleting any 3 consecutive bases within chr16:88,431,824-88,431,828 gives the same sequence; the c. name uses the placement nearest the transcript's 3' end. VCF-style (leftmost placement, unchanged base first): chr16-88431823-GTCC-G. GRCh37 (hg19) VCF-style: chr16-88498231-GTCC-G.
Other names: NM_001127464.1:c.4272_4274delCTC; short protein forms S1454del.
Identifiers: ClinVar variation 3476207 (VCV003476207.1).

ClinVar aggregate classification (germline): Uncertain significance (1 of 4 stars; one submission).

Conditions:
Cardiovascular phenotype. Identifiers: MedGen CN230736.

Submission:

Ambry Genetics
Classification: Uncertain significance for Cardiovascular phenotype. Last evaluated: 2024-09-27. Review status: criteria provided, single submitter. Criteria: Ambry Variant Classification Scheme 2023. Collection method: clinical testing. Allele origin: germline.
Comment: The c.4272_4274delCTC variant (also known as p.S1426del) is located in coding exon 2 of the ZNF469 gene. This variant results from an in-frame CTC deletion at nucleotide positions 4272 to 4274. This results in the in-frame deletion of a serine at codon 1426. This amino acid position is not well conserved in available vertebrate species. In addition, the in silico prediction for this alteration is inconclusive (Choi Y et al. PLoS ONE. 2012; 7(10):e46688). Based on the available evidence, the clinical significance of this variant remains unclear.